The following is an entry in ClinVar:

ClinVar aggregate classification (germline): Likely benign. Review status: reviewed by expert panel (3 of 4 stars). 4 submissions from 4 submitters: Likely benign (1). 3 of the submissions do not count toward it. Last evaluated 2017-06-29.

Conditions:
Hereditary cancer-predisposing syndrome. Also called: Tumor predisposition; Hereditary Cancer Syndrome; Hereditary neoplastic syndrome; Neoplastic Syndromes, Hereditary. Identifiers: Orphanet 140162, MedGen C0027672, MeSH D009386, MONDO:0015356.
Hereditary breast ovarian cancer syndrome. Also called: Breast and ovarian cancer; Hereditary breast and ovarian cancer syndrome; Hereditary breast and ovarian cancer; BRCA1- and BRCA2-Associated Hereditary Breast and Ovarian Cancer; Hereditary breast and ovarian cancer syndrome (HBOC); Hereditary breast and/or ovarian cancer syndrome. Identifiers: Orphanet 145, MedGen C0677776, MeSH D061325, MONDO:0003582. Disease mechanism: loss of function.
Breast-ovarian cancer, familial, susceptibility to, 2 (BROVCA2). Also called: BRCA2 Hereditary Breast and Ovarian Cancer. Identifiers: Orphanet 145, MedGen C2675520, MONDO:0012933, OMIM 612555. Disease mechanism: loss of function.

Allele frequency attached by ClinVar (database versions not stated): gnomAD exomes below 0.00001 and 0.00001; ExAC 0.00002.
gnomAD v4.1: 1 of 1,566,124 alleles (0.000064%); highest among the groups gnomAD compares: Non-Finnish European, 0.000088%; no homozygotes.

Submissions (4):

Evidence-based Network for the Interpretation of Germline Mutant Alleles (ENIGMA)
Classification: Likely benign for Breast-ovarian cancer, familial, susceptibility to, 2. Last evaluated: 2017-06-29. Review status: reviewed by expert panel. Criteria: ENIGMA BRCA1/2 Classification Criteria (2017-06-29). Collection method: curation. Allele origin: germline.
Comment: Synonymous substitution variant, with low bioinformatic likelihood to result in a splicing aberration (Splicing prior probability 0.02).

Labcorp Genetics (formerly Invitae), Labcorp
Classification: Likely benign for Hereditary breast ovarian cancer syndrome. Last evaluated: 2025-07-14. Review status: criteria provided, single submitter. Criteria: Invitae Variant Classification Sherloc (09022015). Collection method: clinical testing. Allele origin: germline. Not counted in ClinVar's aggregate classification.

Color Diagnostics, LLC DBA Color Health
Classification: Likely benign for Hereditary cancer-predisposing syndrome. Last evaluated: 2019-05-16. Review status: criteria provided, single submitter. Criteria: ACMG Guidelines, 2015. Collection method: clinical testing. Allele origin: germline. Not counted in ClinVar's aggregate classification.

Ambry Genetics
Classification: Likely benign for Hereditary cancer-predisposing syndrome. Last evaluated: 2015-11-10. Review status: criteria provided, single submitter. Criteria: Ambry Variant Classification Scheme 2023. Collection method: clinical testing. Allele origin: germline. Not counted in ClinVar's aggregate classification.

NM_000059.4(BRCA2):c.6927C>T (p.Ser2309=)

Gene: BRCA2 (BRCA2 DNA repair associated; plus strand). Cytogenetic location: 13q13.1.
Variant type: single nucleotide variant.
Coding change: c.6927C>T on transcript NM_000059.4 (MANE Select); coding-DNA position 6927, C replaced by T.
Protein change: p.Ser2309=; no amino-acid change (serine 2309 retained).
Molecular consequence: synonymous variant.
Genome position (GRCh38, 1-based): chr13:32,344,643, C>T. VCF-style: chr13-32344643-C-T. GRCh37 (hg19) VCF-style: chr13-32918780-C-T.
Identifiers: ClinVar variation 185063 (VCV000185063.18), dbSNP rs755086348, ClinGen allele CA024561.